The following is an entry in ClinVar:

NM_000090.4(COL3A1):c.4070T>C (p.Leu1357Pro)

Gene: COL3A1 (collagen type III alpha 1 chain; plus strand). Cytogenetic location: 2q32.2.
Variant type: single nucleotide variant.
Coding change: c.4070T>C on transcript NM_000090.4 (MANE Select); coding-DNA position 4070, T replaced by C.
Protein change: p.Leu1357Pro; replaces leucine 1357 with proline.
Molecular consequence: missense variant.
Genome position (GRCh38, 1-based): chr2:189,010,706, T>C. VCF-style: chr2-189010706-T-C. GRCh37 (hg19) VCF-style: chr2-189875432-T-C.
Other names: short protein forms L1357P.
Identifiers: ClinVar variation 1306378 (VCV001306378.3), dbSNP rs2153504318, ClinGen allele CA349849325.
Genomic context (GRCh38, chr2:189,010,706, plus strand): 5'-AGTTTAGCTACGGCAATCCTGAACTTCCTGAAGATGTCCTTGATGTGCATCTGGCATTCC[T>C]TCGACTTCTCTCCAGCCGAGCTTCCCAGAACATCACATATCACTGCAAAAATAGCATTGC-3'
Protein context (NP_000081.2, residues 1347-1367): EDVLDVHLAF[Leu1357Pro]RLLSSRASQN

ClinVar aggregate classification (germline): Uncertain significance (1 of 4 stars; one submission).

Submission:

GeneDx
Classification: Uncertain significance. Last evaluated: 2023-07-27. Review status: criteria provided, single submitter. Criteria: GeneDx Variant Classification Process June 2021. Collection method: clinical testing. Allele origin: germline. Affected: yes.
Comment: Has not been previously published as pathogenic or benign to our knowledge; Not observed at significant frequency in large population cohorts (gnomAD); In silico analysis supports that this missense variant has a deleterious effect on protein structure/function; Not located in the triple helical region, where the majority of pathogenic missense variants occur (HGMD)